The following is an entry in ClinVar:

NM_005633.4(SOS1):c.3649C>T (p.Arg1217Ter)

Gene: SOS1 (SOS Ras/Rac guanine nucleotide exchange factor 1; minus strand). Cytogenetic location: 2p22.1.
Variant type: single nucleotide variant.
Coding change: c.3649C>T on transcript NM_005633.4 (MANE Select); coding-DNA position 3649, C replaced by T.
Protein change: p.Arg1217Ter; replaces arginine 1217 with a stop codon.
Molecular consequence: nonsense.
Genome position (GRCh38, 1-based): chr2:38,986,177, G>A on the plus strand (C>T on the coding strand, the complement: SOS1 is on the minus strand). VCF-style: chr2-38986177-G-A. GRCh37 (hg19) VCF-style: chr2-39213318-G-A.
Other names: c.3628C>T, p.Arg1210Ter (NM_001382394.1); c.3604C>T, p.Arg1202Ter (NM_001382395.1); short protein forms R1217*, R1202*, R1210*.
Identifiers: ClinVar variation 426930 (VCV000426930.2), dbSNP rs914233131, ClinGen allele CA45674182.

ClinVar aggregate classification (germline): Uncertain significance (1 of 4 stars; one submission).

Allele frequency attached by ClinVar (database versions not stated): gnomAD exomes below 0.00001; TOPMed below 0.00001; gnomAD 0.00001.
gnomAD v4.1: 2 of 1,613,764 alleles (0.00012%); highest among the groups gnomAD compares: Non-Finnish European, 0.00017%; no homozygotes.

Submission:

GeneDx
Classification: Uncertain significance. Last evaluated: 2017-03-27. Review status: criteria provided, single submitter. Criteria: GeneDx Variant Classification (06012015). Collection method: clinical testing. Allele origin: germline. Affected: yes.
Comment: The R1217X nonsense variant in the SOS1 gene is predicted to cause protein truncation with the last 117 residues being lost. The R1217X variant is not observed in large population cohorts (Lek et al., 2016; 1000 Genomes Consortium et al., 2015; Exome Variant Server). This variant is predicted to have a loss-of-function effect on the protein. Variants within the SOS1 gene that result is the diagnosis of a disorder within the Noonan syndrome spectrum typically result in a gain-of-function.